The following is an entry in ClinVar:

ClinVar aggregate classification (germline): Uncertain significance (1 of 4 stars; one submission).

Allele frequency attached by ClinVar (database versions not stated): gnomAD 0.00001; TOPMed 0.00002.
gnomAD v4.1: 1 of 1,613,694 alleles (0.000062%); highest among the groups gnomAD compares: Non-Finnish European, 0.000085%; no homozygotes.

Submission:

Women's Health and Genetics/Laboratory Corporation of America, LabCorp
Classification: Uncertain significance. Last evaluated: 2024-01-30. Review status: criteria provided, single submitter. Criteria: LabCorp Variant Classification Summary - May 2015. Collection method: clinical testing. Allele origin: germline.
Comment: Variant summary: TTN c.10972A>C (p.Asn3658His) results in a conservative amino acid change located in the I-band region of the encoded protein sequence. Three of four in-silico tools predict a benign effect of the variant on protein function. The variant was absent in 248542 control chromosomes. The available data on variant occurrences in the general population are insufficient to allow any conclusion about variant significance. c.10972A>C has been reported in the literature in a large family of Heart-hand syndrome with a pathogenic gene in other gene that may fully explain the phenotype, and this variant did not segregate with phenotype (Zaragoza_2017). These data indicate that the variant is unlikely to be associated with disease. To our knowledge, no experimental evidence demonstrating an impact on protein function has been reported. The following publication have been ascertained in the context of this evaluation (PMID: 27723096). No submitters have cited clinical-significance assessments for this variant to ClinVar. Based on the evidence outlined above, the variant was classified as VUS-possibly benign.

Literature cited by the submitters: PubMed 27723096.

NM_001267550.2(TTN):c.14704A>C (p.Asn4902His)

Gene: TTN (titin; minus strand). Cytogenetic location: 2q31.2.
Variant type: single nucleotide variant.
Coding change: c.14704A>C on transcript NM_001267550.2 (MANE Select); coding-DNA position 14704, A replaced by C.
Protein change: p.Asn4902His; replaces asparagine 4902 with histidine.
Molecular consequence: missense variant. On other transcripts: intron variant (3).
Genome position (GRCh38, 1-based): chr2:178,735,742, T>G on the plus strand (A>C on the coding strand, the complement: TTN is on the minus strand). VCF-style: chr2-178735742-T-G. GRCh37 (hg19) VCF-style: chr2-179600469-T-G.
Other names: c.13753A>C, p.Asn4585His (NM_001256850.1); c.10972A>C, p.Asn3658His (NM_133378.4); c.13282+2340A>C (NM_003319.4); c.13858+2340A>C (NM_133437.4); c.13657+2340A>C (NM_133432.3); short protein forms N3658H, N4585H, N4902H.
Identifiers: ClinVar variation 3063720 (VCV003063720.1), dbSNP rs1461011434, ClinGen allele CA349597497.